The following is an entry in ClinVar:

NM_005236.3(ERCC4):c.1148C>T (p.Ala383Val)

Gene: ERCC4 (ERCC excision repair 4, endonuclease catalytic subunit; plus strand). Cytogenetic location: 16p13.12.
Variant type: single nucleotide variant.
Coding change: c.1148C>T on transcript NM_005236.3 (MANE Select); coding-DNA position 1148, C replaced by T.
Protein change: p.Ala383Val; replaces alanine 383 with valine.
Molecular consequence: missense variant.
Genome position (GRCh38, 1-based): chr16:13,934,237, C>T. VCF-style: chr16-13934237-C-T. GRCh37 (hg19) VCF-style: chr16-14028094-C-T.
Other names: short protein forms A383V.
Identifiers: ClinVar variation 1993875 (VCV001993875.4), dbSNP rs2141605886, ClinGen allele CA394807373.
Genomic context (GRCh38, chr16:13,934,237, plus strand): 5'-TTTATTTCTCTACAGAAACAAAAAAGGAACTGGTCCTAGAAAGCAACCCAAAGTGGGAGG[C>T]ACTGACTGAAGTATTAAAAGAAATTGAGGCAGAAAATAAGGAGAGTGAAGCTCTTGGTGG-3'
Protein context (NP_005227.1, residues 373-393): LVLESNPKWE[Ala383Val]LTEVLKEIEA

ClinVar aggregate classification (germline): Uncertain significance (1 of 4 stars; one submission).

Conditions:
Fanconi anemia complementation group Q. Identifiers: Orphanet 84, MedGen C3808988, MONDO:0014108, OMIM 615272.
Xeroderma pigmentosum, group F (XPF). Also called: XERODERMA PIGMENTOSUM, TYPE F; Xeroderma pigmentosum, type 6; XERODERMA PIGMENTOSUM VI; XP, GROUP F; XERODERMA PIGMENTOSUM, COMPLEMENTATION GROUP F; ERCC4-Related Xeroderma Pigmentosum. Identifiers: MedGen C0268140, MONDO:0010215, OMIM 278760.
Cockayne syndrome. Identifiers: Orphanet 191, MedGen C0009207, MONDO:0016006.

Submission:

Labcorp Genetics (formerly Invitae), Labcorp
Classification: Uncertain significance for Fanconi anemia complementation group Q; Xeroderma pigmentosum, group F; Cockayne syndrome. Last evaluated: 2022-10-24. Review status: criteria provided, single submitter. Criteria: Invitae Variant Classification Sherloc (09022015). Collection method: clinical testing. Allele origin: germline.
Comment: This sequence change replaces alanine, which is neutral and non-polar, with valine, which is neutral and non-polar, at codon 383 of the ERCC4 protein (p.Ala383Val). This variant is not present in population databases (gnomAD no frequency). This variant has not been reported in the literature in individuals affected with ERCC4-related conditions. Advanced modeling of protein sequence and biophysical properties (such as structural, functional, and spatial information, amino acid conservation, physicochemical variation, residue mobility, and thermodynamic stability) performed at Invitae indicates that this missense variant is not expected to disrupt ERCC4 protein function. In summary, the available evidence is currently insufficient to determine the role of this variant in disease. Therefore, it has been classified as a Variant of Uncertain Significance.